The following is an entry in ClinVar:

NM_144973.4(DENND5B):c.1830A>G (p.Ile610Met)

Gene: DENND5B (DENN domain containing 5B; minus strand). Cytogenetic location: 12p11.21.
Variant type: single nucleotide variant.
Coding change: c.1830A>G on transcript NM_144973.4 (MANE Select); coding-DNA position 1830, A replaced by G.
Protein change: p.Ile610Met; replaces isoleucine 610 with methionine.
Molecular consequence: missense variant.
Genome position (GRCh38, 1-based): chr12:31,447,569, T>C on the plus strand (A>G on the coding strand, the complement: DENND5B is on the minus strand). VCF-style: chr12-31447569-T-C. GRCh37 (hg19) VCF-style: chr12-31600503-T-C.
Other names: c.1935A>G, p.Ile645Met (NM_001308339.2); c.1896A>G, p.Ile632Met (NM_001366890.1); short protein forms I610M, I632M, I645M.
Identifiers: ClinVar variation 2642828 (VCV002642828.24), dbSNP rs34129725, ClinGen allele CA6503861.
Genomic context (GRCh38, chr12:31,447,569, plus strand): 5'-ATTTAATTTAAAAGGCATGGCAAATGTACCTGCTTCTTTTAAAGTGCTGCATTTCTGATA[T>C]ATAGATGTCCGCAAGGTGGGTGCCCTTACATTATACAGCCTTATCTTATCAATCCGAGTG-3'
Protein context (NP_659410.3, residues 600-620): NVRAPTLRTS[Ile610Met]YQKCSTLKEA

ClinVar aggregate classification (germline): Benign (1 of 4 stars; one submission).

Allele frequency attached by ClinVar (database versions not stated): 1000 Genomes Project 30x 0.00156; 1000 Genomes Project 0.00160; gnomAD 0.00606; ExAC 0.00629; TOPMed 0.00654; ESP Exome Variant Server 0.00834.
gnomAD v4.1: 11,624 of 1,613,760 alleles (0.72%); highest among the groups gnomAD compares: Middle Eastern, 1.4%; 85 homozygotes.

Submission:

CeGaT Center for Human Genetics Tuebingen
Classification: Benign. Last evaluated: 2026-07-01. Review status: criteria provided, single submitter. Criteria: CeGaT Center For Human Genetics Tuebingen Variant Classification Criteria Version 2. Collection method: clinical testing. Allele origin: germline. Affected: yes. Observed: 15 variant alleles.
Comment: DENND5B: BP4, BS1, BS2